The following is an entry in ClinVar:

NM_024747.6(HPS6):c.894dup (p.Arg299fs)

Gene: HPS6 (HPS6 biogenesis of lysosomal organelles complex 2 subunit 3; plus strand). Cytogenetic location: 10q24.32.
Variant type: Duplication.
Coding change: c.894dup on transcript NM_024747.6 (MANE Select); coding-DNA position 894, one base duplicated (G; older notation c.894dupG).
Protein change: p.Arg299fs; shifts the reading frame from arginine 299.
Molecular consequence: frameshift variant.
Genome position (GRCh38, 1-based): chr10:102,066,368, G duplicated. VCF-style (leftmost placement, unchanged base first): chr10-102066367-C-CG. GRCh37 (hg19) VCF-style: chr10-103826124-C-CG.
Other names: short protein forms R299fs.
Identifiers: ClinVar variation 2751605 (VCV002751605.3), dbSNP rs1564899399, ClinGen allele CA918747735.
Genomic context (GRCh38, chr10:102,066,367, plus strand): 5'-AGGGCCTGCTGTTGCTTGACTTCGGGGGCACTGTGAGCCTATTGCAGTCCCACGGTGGTA[C>CG]GCGGGCTGTGGGCACCCTGCAGGAGGCACCTGTAGGCCCGTGGGGGTCTGCAGCCCTAGG-3'

ClinVar aggregate classification (germline): Pathogenic (1 of 4 stars; one submission).

Submission:

Labcorp Genetics (formerly Invitae), Labcorp
Classification: Pathogenic. Last evaluated: 2023-08-10. Review status: criteria provided, single submitter. Criteria: Invitae Variant Classification Sherloc (09022015). Collection method: clinical testing. Allele origin: germline.
Comment: This sequence change creates a premature translational stop signal (p.Arg299Alafs*68) in the HPS6 gene. While this is not anticipated to result in nonsense mediated decay, it is expected to disrupt the last 477 amino acid(s) of the HPS6 protein. For these reasons, this variant has been classified as Pathogenic. This variant disrupts a region of the HPS6 protein in which other variant(s) (p.Gln680*) have been determined to be pathogenic (PMID: 27225848, 29054114, 31141302). This suggests that this is a clinically significant region of the protein, and that variants that disrupt it are likely to be disease-causing. This variant has not been reported in the literature in individuals affected with HPS6-related conditions. This variant is not present in population databases (gnomAD no frequency).

Literature cited by the submitters: PubMed 27225848; PubMed 29054114; PubMed 31141302.